The following is an entry in ClinVar:

NM_002230.4(JUP):c.1336G>T (p.Gly446Cys)

Gene: JUP (junction plakoglobin; minus strand). Cytogenetic location: 17q21.2.
Variant type: single nucleotide variant.
Coding change: c.1336G>T on transcript NM_002230.4 (MANE Select); coding-DNA position 1336, G replaced by T.
Protein change: p.Gly446Cys; replaces glycine 446 with cysteine.
Molecular consequence: missense variant.
Genome position (GRCh38, 1-based): chr17:41,763,144, C>A on the plus strand (G>T on the coding strand, the complement: JUP is on the minus strand). VCF-style: chr17-41763144-C-A. GRCh37 (hg19) VCF-style: chr17-39919396-C-A.
Other names: c.1336G>T, p.Gly446Cys (NM_001352773.2, NM_001352774.2, NM_001352775.2 and 3 more transcripts); short protein forms G446C.
Identifiers: ClinVar variation 942981 (VCV000942981.9), dbSNP rs781876461, ClinGen allele CA8565231.

ClinVar aggregate classification (germline): Uncertain significance. Review status: criteria provided, multiple submitters, no conflicts (2 of 4 stars). 3 submissions from 3 submitters: Uncertain significance (3). Last evaluated 2024-09-18.

Conditions:
Cardiovascular phenotype. Identifiers: MedGen CN230736.
Arrhythmogenic right ventricular dysplasia 12. Also called: ARRHYTHMOGENIC RIGHT VENTRICULAR DYSPLASIA, FAMILIAL, 12. Identifiers: MedGen C1969081, MONDO:0012684, OMIM 611528.
Naxos disease (NXD). Also called: KERATOSIS PALMOPLANTARIS WITH ARRHYTHMOGENIC CARDIOMYOPATHY; MAL DE NAXOS; PALMOPLANTAR KERATODERMA WITH ARRHYTHMOGENIC RIGHT VENTRICULAR CARDIOMYOPATHY AND WOOLLY HAIR; CARDIOMYOPATHY, ARRHYTHMOGENIC RIGHT VENTRICULAR, WITH SKIN, HAIR, AND NAIL ABNORMALITIES; WOOLLY HAIR, PALMOPLANTAR KERATODERMA, AND CARDIAC ABNORMALITIES. Identifiers: Orphanet 34217, MedGen C1832600, MONDO:0011017, OMIM 601214.

Allele frequency attached by ClinVar (database versions not stated): gnomAD 0.00001; ExAC 0.00002; gnomAD exomes 0.00002; TOPMed 0.00003.
gnomAD v4.1: 29 of 1,614,112 alleles (0.0018%); highest among the groups gnomAD compares: Non-Finnish European, 0.0025%; no homozygotes.

Submissions (3):

Ambry Genetics
Classification: Uncertain significance for Cardiovascular phenotype. Last evaluated: 2024-09-18. Review status: criteria provided, single submitter. Criteria: Ambry Variant Classification Scheme 2023. Collection method: clinical testing. Allele origin: germline.
Comment: The p.G446C variant (also known as c.1336G>T), located in coding exon 7 of the JUP gene, results from a G to T substitution at nucleotide position 1336. The glycine at codon 446 is replaced by cysteine, an amino acid with highly dissimilar properties. This variant has been detected in a cardiomyopathy cohort, but clinical details were limited (Akinrinade O et al. J Cardiovasc Transl Res, 2023 Dec;16:1287-1302). This amino acid position is highly conserved in available vertebrate species. In addition, the in silico prediction for this alteration is inconclusive. Based on the available evidence, the clinical significance of this variant remains unclear.

Labcorp Genetics (formerly Invitae), Labcorp
Classification: Uncertain significance for Arrhythmogenic right ventricular dysplasia 12; Naxos disease. Last evaluated: 2024-01-28. Review status: criteria provided, single submitter. Criteria: Invitae Variant Classification Sherloc (09022015). Collection method: clinical testing. Allele origin: germline.
Comment: This sequence change replaces glycine, which is neutral and non-polar, with cysteine, which is neutral and slightly polar, at codon 446 of the JUP protein (p.Gly446Cys). This variant is present in population databases (rs781876461, gnomAD 0.004%). This variant has not been reported in the literature in individuals affected with JUP-related conditions. ClinVar contains an entry for this variant (Variation ID: 942981). An algorithm developed to predict the effect of missense changes on protein structure and function (PolyPhen-2) suggests that this variant is likely to be disruptive. In summary, the available evidence is currently insufficient to determine the role of this variant in disease. Therefore, it has been classified as a Variant of Uncertain Significance.

Fulgent Genetics
Classification: Uncertain significance for Naxos disease; Arrhythmogenic right ventricular dysplasia 12. Last evaluated: 2021-09-28. Review status: criteria provided, single submitter. Criteria: ACMG Guidelines, 2015. Collection method: clinical testing. Allele origin: unknown.

Literature cited by the submitters: PubMed 37477868 (cited by Ambry Genetics).